The following is an entry in ClinVar:

NM_001199267.2(DGKZ):c.1102C>T (p.Arg368Cys)

Gene: DGKZ (diacylglycerol kinase zeta; plus strand). Cytogenetic location: 11p11.2.
Variant type: single nucleotide variant.
Coding change: c.1102C>T on transcript NM_001199267.2 (MANE Select); coding-DNA position 1102, C replaced by T.
Protein change: p.Arg368Cys; replaces arginine 368 with cysteine.
Molecular consequence: missense variant.
Genome position (GRCh38, 1-based): chr11:46,372,804, C>T. VCF-style: chr11-46372804-C-T. GRCh37 (hg19) VCF-style: chr11-46394354-C-T.
Other names: c.1669C>T (NM_001105540.1); c.1669C>T, p.Arg557Cys (NM_001105540.2); c.1105C>T, p.Arg369Cys (NM_001199266.2, NM_003646.4); c.1036C>T, p.Arg346Cys (NM_001199268.2); c.1153C>T, p.Arg385Cys (NM_201532.3); c.1117C>T, p.Arg373Cys (NM_201533.3); short protein forms R346C, R369C, R557C, R368C, R373C, R385C.
Identifiers: ClinVar variation 1420986 (VCV001420986.7), dbSNP rs753124416, ClinGen allele CA5962758.

ClinVar aggregate classification (germline): Uncertain significance. Review status: criteria provided, multiple submitters, no conflicts (2 of 4 stars). 2 submissions from 2 submitters: Uncertain significance (2). Last evaluated 2024-07-14.

Allele frequency attached by ClinVar (database versions not stated): gnomAD 0.00003; gnomAD exomes 0.00003; TOPMed 0.00003; ExAC 0.00007.
gnomAD v4.1: 54 of 1,603,346 alleles (0.0034%); highest among the groups gnomAD compares: South Asian, 0.0045%; no homozygotes.

Submissions (2):

Ambry Genetics
Classification: Uncertain significance. Last evaluated: 2024-07-14. Review status: criteria provided, single submitter. Criteria: Ambry Variant Classification Scheme 2023. Collection method: clinical testing. Allele origin: germline.

Labcorp Genetics (formerly Invitae), Labcorp
Classification: Uncertain significance. Last evaluated: 2021-09-26. Review status: criteria provided, single submitter. Criteria: Invitae Variant Classification Sherloc (09022015). Collection method: clinical testing. Allele origin: germline.
Comment: In summary, the available evidence is currently insufficient to determine the role of this variant in disease. Therefore, it has been classified as a Variant of Uncertain Significance. Algorithms developed to predict the effect of missense changes on protein structure and function are either unavailable or do not agree on the potential impact of this missense change (SIFT: "Deleterious"; PolyPhen-2: "Probably Damaging"; Align-GVGD: "Class C15"). This variant has not been reported in the literature in individuals affected with DGKZ-related conditions. The frequency data for this variant in the population databases is considered unreliable, as metrics indicate poor data quality at this position in the ExAC database. This sequence change replaces arginine with cysteine at codon 557 of the DGKZ protein (p.Arg557Cys). The arginine residue is moderately conserved and there is a large physicochemical difference between arginine and cysteine.